The following is an entry in ClinVar:

ClinVar aggregate classification (germline): Likely benign (0 of 4 stars; one submission).

Conditions:
DROSHA-related disorder. Also called: DROSHA-related condition.

gnomAD v4.1: 39 of 1,613,730 alleles (0.0024%); highest among the groups gnomAD compares: South Asian, 0.013%; no homozygotes.

Submission:

PreventionGenetics, part of Exact Sciences
Classification: Likely benign for DROSHA-related condition. Last evaluated: 2024-07-01. Review status: no assertion criteria provided. Collection method: clinical testing. Allele origin: germline.
Comment: This variant is classified as likely benign based on ACMG/AMP sequence variant interpretation guidelines (Richards et al. 2015 PMID: 25741868, with internal and published modifications).

NM_001382508.1(DROSHA):c.1176C>T (p.Pro392=)

Gene: DROSHA (drosha ribonuclease III; minus strand). Cytogenetic location: 5p13.3.
Variant type: single nucleotide variant.
Coding change: c.1176C>T on transcript NM_001382508.1 (MANE Select); coding-DNA position 1176, C replaced by T.
Protein change: p.Pro392=; no amino-acid change (proline 392 retained).
Molecular consequence: synonymous variant.
Genome position (GRCh38, 1-based): chr5:31,515,102, G>A on the plus strand (C>T on the coding strand, the complement: DROSHA is on the minus strand). VCF-style: chr5-31515102-G-A. GRCh37 (hg19) VCF-style: chr5-31515209-G-A.
Other names: c.1065C>T, p.Pro355= (NM_001100412.2); c.1176C>T, p.Pro392= (NM_013235.5).
Identifiers: ClinVar variation 3352566 (VCV003352566.1).
Genomic context (GRCh38, chr5:31,515,102, plus strand): 5'-CCACACAGGCTTAAGAAGTTCTTCTTCTTCCTCCTCATTCTTGTCAGGCATGGTCTCCTC[G>A]GGCTCTTTTTCCTTGATTGAGGTATAGTTCTTGTCTTTGCCAGAACTCTGGTTGTCACTC-3'
Protein context (NP_001369437.1, residues 382-402): KNYTSIKEKE[Pro392=]EETMPDKNEE